The following is an entry in ClinVar:

ClinVar aggregate classification (germline): Uncertain significance (1 of 4 stars; one submission).

Submission:

GeneDx
Classification: Uncertain significance. Last evaluated: 2023-06-12. Review status: criteria provided, single submitter. Criteria: GeneDx Variant Classification Process June 2021. Collection method: clinical testing. Allele origin: germline. Affected: yes.
Comment: Not observed at significant frequency in large population cohorts (gnomAD); In silico analysis supports that this missense variant does not alter protein structure/function; Has not been previously published as pathogenic or benign to our knowledge

NM_001346249.2(RALGAPA1):c.2135T>C (p.Val712Ala)

Gene: RALGAPA1 (Ral GTPase activating protein catalytic subunit alpha 1; minus strand). Cytogenetic location: 14q13.2.
Variant type: single nucleotide variant.
Coding change: c.2135T>C on transcript NM_001346249.2 (MANE Select); coding-DNA position 2135, T replaced by C.
Protein change: p.Val712Ala; replaces valine 712 with alanine.
Molecular consequence: missense variant.
Genome position (GRCh38, 1-based): chr14:35,721,819, A>G on the plus strand (T>C on the coding strand, the complement: RALGAPA1 is on the minus strand). VCF-style: chr14-35721819-A-G. GRCh37 (hg19) VCF-style: chr14-36191025-A-G.
Other names: c.2135T>C, p.Val712Ala (NM_001283043.3, NM_001283044.3, NM_001330075.3 and 7 more transcripts); short protein forms V712A.
Identifiers: ClinVar variation 3253545 (VCV003253545.1), dbSNP rs200211363.